The following is an entry in ClinVar:

ClinVar aggregate classification (germline): Pathogenic/Likely pathogenic. Review status: criteria provided, multiple submitters, no conflicts (2 of 4 stars). 3 submissions from 3 submitters: Pathogenic (1); Likely pathogenic (2). Last evaluated 2024-06-18.

Conditions:
Cohen syndrome (COH1). Also called: PEPPER SYNDROME; Cutis verticis gyrata, retinitis pigmentosa, and sensorineural deafness. Identifiers: Orphanet 193, MedGen C0265223, MONDO:0008999, OMIM 216550.

Allele frequency attached by ClinVar (database versions not stated): gnomAD exomes below 0.00001.
gnomAD v4.1: 1 of 1,614,094 alleles (0.000062%); highest among the groups gnomAD compares: Non-Finnish European, 0.000085%; no homozygotes.

Submissions (3):

Fulgent Genetics
Classification: Likely pathogenic for Cohen syndrome. Last evaluated: 2024-06-18. Review status: criteria provided, single submitter. Criteria: ACMG Guidelines, 2015. Collection method: clinical testing. Allele origin: germline.

Labcorp Genetics (formerly Invitae), Labcorp
Classification: Pathogenic for Cohen syndrome. Last evaluated: 2023-10-17. Review status: criteria provided, single submitter. Criteria: Invitae Variant Classification Sherloc (09022015). Collection method: clinical testing. Allele origin: germline.
Comment: This sequence change creates a premature translational stop signal (p.Trp348*) in the VPS13B gene. It is expected to result in an absent or disrupted protein product. Loss-of-function variants in VPS13B are known to be pathogenic (PMID: 15141358, 16648375, 20461111). This variant is not present in population databases (gnomAD no frequency). This premature translational stop signal has been observed in individual(s) with clinical features of Cohen syndrome (PMID: 34006472). ClinVar contains an entry for this variant (Variation ID: 1012252). For these reasons, this variant has been classified as Pathogenic.

Revvity Omics, Revvity
Classification: Likely pathogenic for Cohen syndrome. Last evaluated: 2020-12-31. Review status: criteria provided, single submitter. Criteria: ACMG Guidelines, 2015. Collection method: clinical testing. Allele origin: germline.

Literature cited by the submitters: PubMed 15141358 (cited by Labcorp Genetics (formerly Invitae), Labcorp); PubMed 16648375 (cited by Labcorp Genetics (formerly Invitae), Labcorp); PubMed 20461111 (cited by Labcorp Genetics (formerly Invitae), Labcorp); PubMed 34006472 (cited by Labcorp Genetics (formerly Invitae), Labcorp).

NM_152564.5(VPS13B):c.1044G>A (p.Trp348Ter)

Gene: VPS13B (vacuolar protein sorting 13 homolog B; plus strand). Cytogenetic location: 8q22.2.
Variant type: single nucleotide variant.
Coding change: c.1044G>A on transcript NM_152564.5 (MANE Select); coding-DNA position 1044, G replaced by A.
Protein change: p.Trp348Ter; replaces tryptophan 348 with a stop codon.
Molecular consequence: nonsense. On other transcripts: non-coding transcript variant (1).
Genome position (GRCh38, 1-based): chr8:99,121,283, G>A. VCF-style: chr8-99121283-G-A. GRCh37 (hg19) VCF-style: chr8-100133511-G-A.
Other names: c.1044G>A, p.Trp348Ter (NM_015243.3, NM_017890.5, NM_181661.3); short protein forms W348*.
Identifiers: ClinVar variation 1012252 (VCV001012252.9), dbSNP rs1847921335, ClinGen allele CA371860994.
Genomic context (GRCh38, chr8:99,121,283, plus strand): 5'-TAAAGGTCAAGAGTTATATTCACAGCAAGATGAGGAGCAGCCACAGGGATGGGTGTCATG[G>A]GCCTGGTCCTTTGTGCCTGCAATTGTGAGTTATGACGATGGCGAGGAAGACTTTGTTGGG-3'